The following is an entry in ClinVar:

ClinVar aggregate classification (germline): Pathogenic (1 of 4 stars; one submission).

Submission:

Labcorp Genetics (formerly Invitae), Labcorp
Classification: Pathogenic. Last evaluated: 2023-08-04. Review status: criteria provided, single submitter. Criteria: Invitae Variant Classification Sherloc (09022015). Collection method: clinical testing. Allele origin: germline.
Comment: This variant is present in population databases (rs757391405, gnomAD 0.01%). For these reasons, this variant has been classified as Pathogenic. This variant has not been reported in the literature in individuals affected with KERA-related conditions. This sequence change creates a premature translational stop signal (p.Trp19Valfs*2) in the KERA gene. It is expected to result in an absent or disrupted protein product. Loss-of-function variants in KERA are known to be pathogenic (PMID: 10802664, 16234475, 31059048).

Literature cited by the submitters: PubMed 10802664; PubMed 16234475; PubMed 31059048.

NM_007035.4(KERA):c.55_56del (p.Trp19fs)

Gene: KERA (keratocan; minus strand). Cytogenetic location: 12q21.33.
Variant type: Microsatellite.
Coding change: c.55_56del on transcript NM_007035.4 (MANE Select); coding-DNA positions 55 to 56, 2 bases deleted (TG; older notation c.55_56delTG).
Protein change: p.Trp19fs; shifts the reading frame from tryptophan 19.
Molecular consequence: frameshift variant.
Genome position (GRCh38, 1-based): chr12:91,056,226-91,056,227, CA deleted on the plus strand (TG on the coding strand, the reverse complement: KERA is on the minus strand); deleting any 2 consecutive bases within chr12:91,056,226-91,056,231 gives the same sequence; the c. name uses the placement nearest the transcript's 3' end. VCF-style (leftmost placement, unchanged base first): chr12-91056225-CCA-C. GRCh37 (hg19) VCF-style: chr12-91450002-CCA-C.
Other names: short protein forms W19fs.
Identifiers: ClinVar variation 1940458 (VCV001940458.5), dbSNP rs757391405, ClinGen allele CA6716650.